The following is an entry in ClinVar:

ClinVar aggregate classification (germline): Uncertain significance (1 of 4 stars; one submission).

Submission:

Women's Health and Genetics/Laboratory Corporation of America, LabCorp
Classification: Uncertain significance. Last evaluated: 2025-05-27. Review status: criteria provided, single submitter. Criteria: LabCorp Variant Classification Summary - May 2015. Collection method: clinical testing. Allele origin: germline.
Comment: Variant summary: EVC2 c.285G>A (p.Val95Val) alters a nucleotide located close to a canonical splice site and therefore could affect mRNA splicing, leading to a significantly altered protein sequence. Several computational tools predict a significant impact on normal splicing: One predict the variant no significant impact on splicing. Three predict the variant weakens a 3' acceptor site. Two predict the variant creates a 3' acceptor site. However, these predictions have yet to be confirmed by functional studies. The variant was absent in 251486 control chromosomes. The available data on variant occurrences in the general population are insufficient to allow any conclusion about variant significance. To our knowledge, no occurrence of c.285G>A in individuals affected with Ellis-van Creveld syndrome and no experimental evidence demonstrating its impact on protein function have been reported. No submitters have cited clinical-significance assessments for this variant to ClinVar. Based on the evidence outlined above, the variant was classified as uncertain significance.

NM_147127.5(EVC2):c.285G>A (p.Val95=)

Gene: EVC2 (EvC ciliary complex subunit 2; minus strand). Cytogenetic location: 4p16.2.
Variant type: single nucleotide variant.
Coding change: c.285G>A on transcript NM_147127.5 (MANE Select); coding-DNA position 285, G replaced by A.
Protein change: p.Val95=; no amino-acid change (valine 95 retained).
Molecular consequence: synonymous variant.
Genome position (GRCh38, 1-based): chr4:5,694,500, C>T on the plus strand (G>A on the coding strand, the complement: EVC2 is on the minus strand). VCF-style: chr4-5694500-C-T. GRCh37 (hg19) VCF-style: chr4-5696227-C-T.
Other names: c.45G>A, p.Val15= (NM_001166136.2).
Identifiers: ClinVar variation 3902655 (VCV003902655.1).